The following is an entry in ClinVar:

ClinVar aggregate classification (germline): Likely benign. Review status: criteria provided, multiple submitters, no conflicts (2 of 4 stars). 6 submissions from 6 submitters: Likely benign (5). 1 of the submissions does not count toward it. Last evaluated 2026-01-27.

Conditions:
TGFB3-related disorder. Also called: TGFB3-related condition.
Rienhoff syndrome. Also called: LOEYS-DIETZ SYNDROME 5. Identifiers: MedGen C3810012, MONDO:0014262, OMIM 615582.
Arrhythmogenic right ventricular dysplasia 1. Identifiers: Orphanet 3403, MedGen C1862511, MONDO:0007152, OMIM 107970.
Familial thoracic aortic aneurysm and aortic dissection (TAAD). Also called: Thoracic aortic aneurysms and dissections. Identifiers: Orphanet 91387, MedGen C4707243, MONDO:0019625.

Allele frequency attached by ClinVar (database versions not stated): gnomAD exomes 0.00009 and 0.00017; ExAC 0.00021; ESP Exome Variant Server 0.00038; gnomAD 0.00066 and 0.00068; TOPMed 0.00091; 1000 Genomes Project 0.00220; 1000 Genomes Project 30x 0.00234.
gnomAD v4.1: 238 of 1,614,206 alleles (0.015%); highest among the groups gnomAD compares: African/African-American, 0.26%; no homozygotes.

Submissions (6):

Labcorp Genetics (formerly Invitae), Labcorp
Classification: Likely benign for Rienhoff syndrome. Last evaluated: 2026-01-27. Review status: criteria provided, single submitter. Criteria: Invitae Variant Classification Sherloc (09022015). Collection method: clinical testing. Allele origin: germline.

Blueprint Genetics
Classification: Likely benign. Last evaluated: 2024-02-20. Review status: criteria provided, single submitter. Criteria: ACMG Guidelines, 2015. Collection method: clinical testing. Allele origin: germline.

Fulgent Genetics
Classification: Likely benign for Arrhythmogenic right ventricular dysplasia 1; Rienhoff syndrome. Last evaluated: 2021-07-22. Review status: criteria provided, single submitter. Criteria: ACMG Guidelines, 2015. Collection method: clinical testing. Allele origin: unknown.

GeneDx
Classification: Likely benign. Last evaluated: 2020-09-17. Review status: criteria provided, single submitter. Criteria: GeneDx Variant Classification Process June 2021. Collection method: clinical testing. Allele origin: germline. Affected: yes.

Ambry Genetics
Classification: Likely benign for Familial thoracic aortic aneurysm and aortic dissection. Last evaluated: 2018-09-19. Review status: criteria provided, single submitter. Criteria: Ambry Variant Classification Scheme 2023. Collection method: clinical testing. Allele origin: germline.

PreventionGenetics, part of Exact Sciences
Classification: Likely benign for TGFB3-related condition. Last evaluated: 2022-11-07. Review status: no assertion criteria provided. Collection method: clinical testing. Allele origin: germline. Not counted in ClinVar's aggregate classification.
Comment: This variant is classified as likely benign based on ACMG/AMP sequence variant interpretation guidelines (Richards et al. 2015 PMID: 25741868, with internal and published modifications).

NM_003239.5(TGFB3):c.179C>T (p.Thr60Met)

Gene: TGFB3 (transforming growth factor beta 3; minus strand). Cytogenetic location: 14q24.3.
Variant type: single nucleotide variant.
Coding change: c.179C>T on transcript NM_003239.5 (MANE Select); coding-DNA position 179, C replaced by T.
Protein change: p.Thr60Met; replaces threonine 60 with methionine.
Molecular consequence: missense variant.
Genome position (GRCh38, 1-based): chr14:75,980,715, G>A on the plus strand (C>T on the coding strand, the complement: TGFB3 is on the minus strand). VCF-style: chr14-75980715-G-A. GRCh37 (hg19) VCF-style: chr14-76447058-G-A.
Other names: c.179C>T, p.Thr60Met (NM_001329938.2, NM_001329939.2); c.179C>T (NM_003239.4); short protein forms T60M.
Identifiers: ClinVar variation 239517 (VCV000239517.18), dbSNP rs4252315, ClinGen allele CA7280500.